The following is an entry in ClinVar:

ClinVar aggregate classification (germline): Uncertain significance (1 of 4 stars; one submission).

Conditions:
Inborn genetic diseases. Identifiers: MedGen C0950123, MeSH D030342.

Submission:

Ambry Genetics
Classification: Uncertain significance for Inborn genetic diseases. Last evaluated: 2022-11-17. Review status: criteria provided, single submitter. Criteria: Ambry Variant Classification Scheme 2023. Collection method: clinical testing. Allele origin: germline.
Comment: The p.L333V variant (also known as c.997C>G), located in coding exon 11 of the ERCC2 gene, results from a C to G substitution at nucleotide position 997. The leucine at codon 333 is replaced by valine, an amino acid with highly similar properties. This amino acid position is conserved. In addition, the in silico prediction for this alteration is inconclusive. Since supporting evidence is limited at this time, the clinical significance of this alteration remains unclear.

NM_000400.4(ERCC2):c.997C>G (p.Leu333Val)

Gene: ERCC2 (ERCC excision repair 2, TFIIH core complex helicase subunit; minus strand). Cytogenetic location: 19q13.32.
Variant type: single nucleotide variant.
Coding change: c.997C>G on transcript NM_000400.4 (MANE Select); coding-DNA position 997, C replaced by G.
Protein change: p.Leu333Val; replaces leucine 333 with valine.
Molecular consequence: missense variant.
Genome position (GRCh38, 1-based): chr19:45,363,864, G>C on the plus strand (C>G on the coding strand, the complement: ERCC2 is on the minus strand). VCF-style: chr19-45363864-G-C. GRCh37 (hg19) VCF-style: chr19-45867122-G-C.
Other names: c.925C>G, p.Leu309Val (NM_001130867.2); short protein forms L333V, L309V.
Identifiers: ClinVar variation 2452340 (VCV002452340.2), dbSNP rs1972316220, ClinGen allele CA406372913.